The following is an entry in ClinVar:

ClinVar aggregate classification (germline): Uncertain significance. Review status: criteria provided, multiple submitters, no conflicts (2 of 4 stars). 2 submissions from 2 submitters: Uncertain significance (2). Last evaluated 2025-06-21.

Conditions:
Early-infantile DEE. Also called: Early infantile epileptic encephalopathy; Ohtahara syndrome; Early infantile epileptic encephalopathy with suppression bursts. Identifiers: Orphanet 1934, MedGen C0393706, MONDO:0800491.

Allele frequency attached by ClinVar (database versions not stated): ExAC 0.00001.
gnomAD v4.1: 2 of 1,614,016 alleles (0.00012%); highest among the groups gnomAD compares: East Asian, 0.0022%; no homozygotes.

Submissions (2):

Dasa
Classification: Uncertain significance. Last evaluated: 2025-06-21. Review status: criteria provided, single submitter. Criteria: DASA Assertion Criteria. Collection method: clinical testing. Allele origin: germline.
Comment: NM_021072.4(HCN1):c.2641G>A (p.Ala881Thr) is a missense variant that results in the substitution of alanine with threonine. This variant is rare in population databases. Computational prediction algorithms are consistent with a benign effect. The currently available literature and clinical evidence are not sufficient to establish a definitive association between this variant and the reported condition. Therefore, this variant is classified as a variant of uncertain significance.

Labcorp Genetics (formerly Invitae), Labcorp
Classification: Uncertain significance for Early-infantile DEE. Last evaluated: 2025-06-04. Review status: criteria provided, single submitter. Criteria: Invitae Variant Classification Sherloc (09022015). Collection method: clinical testing. Allele origin: germline.
Comment: This sequence change replaces alanine, which is neutral and non-polar, with threonine, which is neutral and polar, at codon 881 of the HCN1 protein (p.Ala881Thr). This variant is present in population databases (rs56377228, gnomAD 0.006%). This missense change has been observed in individual(s) with idiopathic generalized epilepsy (PMID: 17931874). ClinVar contains an entry for this variant (Variation ID: 2732092). Invitae Evidence Modeling of protein sequence and biophysical properties (such as structural, functional, and spatial information, amino acid conservation, physicochemical variation, residue mobility, and thermodynamic stability) indicates that this missense variant is not expected to disrupt HCN1 protein function with a negative predictive value of 95%. In summary, the available evidence is currently insufficient to determine the role of this variant in disease. Therefore, it has been classified as a Variant of Uncertain Significance.

Literature cited by the submitters: PubMed 17931874 (cited by Labcorp Genetics (formerly Invitae), Labcorp).

NM_021072.4(HCN1):c.2641G>A (p.Ala881Thr)

Gene: HCN1 (hyperpolarization activated cyclic nucleotide gated potassium channel 1; minus strand). Cytogenetic location: 5p12.
Variant type: single nucleotide variant.
Coding change: c.2641G>A on transcript NM_021072.4 (MANE Select); coding-DNA position 2641, G replaced by A.
Protein change: p.Ala881Thr; replaces alanine 881 with threonine.
Molecular consequence: missense variant.
Genome position (GRCh38, 1-based): chr5:45,261,953, C>T on the plus strand (G>A on the coding strand, the complement: HCN1 is on the minus strand). VCF-style: chr5-45261953-C-T. GRCh37 (hg19) VCF-style: chr5-45262055-C-T.
Other names: short protein forms A881T.
Identifiers: ClinVar variation 2732092 (VCV002732092.5), dbSNP rs56377228, ClinGen allele CA3259067.